The following is an entry in ClinVar:

ClinVar aggregate classification (germline): Uncertain significance. Review status: criteria provided, multiple submitters, no conflicts (2 of 4 stars). 2 submissions from 2 submitters: Uncertain significance (2). Last evaluated 2023-10-10.

Conditions:
Hereditary cancer-predisposing syndrome. Also called: Tumor predisposition; Hereditary neoplastic syndrome; Hereditary Cancer Syndrome; Neoplastic Syndromes, Hereditary. Identifiers: Orphanet 140162, MedGen C0027672, MeSH D009386, MONDO:0015356.
Gorlin syndrome. Also called: Basal cell nevus syndrome; Nevoid Basal Cell Carcinoma Syndrome. Identifiers: Orphanet 377, MedGen C0004779, MONDO:0007187.

Submissions (2):

Ambry Genetics
Classification: Uncertain significance for Hereditary cancer-predisposing syndrome. Last evaluated: 2023-10-10. Review status: criteria provided, single submitter. Criteria: Ambry Variant Classification Scheme 2023. Collection method: clinical testing. Allele origin: germline.
Comment: The p.M1122T variant (also known as c.3365T>C), located in coding exon 20 of the PTCH1 gene, results from a T to C substitution at nucleotide position 3365. The methionine at codon 1122 is replaced by threonine, an amino acid with similar properties. This amino acid position is conserved. In addition, this alteration is predicted to be deleterious by in silico analysis. Since supporting evidence is limited at this time, the clinical significance of this alteration remains unclear.

Labcorp Genetics (formerly Invitae), Labcorp
Classification: Uncertain significance for Gorlin syndrome. Last evaluated: 2022-07-08. Review status: criteria provided, single submitter. Criteria: Invitae Variant Classification Sherloc (09022015). Collection method: clinical testing. Allele origin: germline.
Comment: This variant is not present in population databases (gnomAD no frequency). This sequence change replaces methionine, which is neutral and non-polar, with threonine, which is neutral and polar, at codon 1122 of the PTCH1 protein (p.Met1122Thr). This variant has not been reported in the literature in individuals affected with PTCH1-related conditions. Advanced modeling of protein sequence and biophysical properties (such as structural, functional, and spatial information, amino acid conservation, physicochemical variation, residue mobility, and thermodynamic stability) performed at Invitae indicates that this missense variant is not expected to disrupt PTCH1 protein function. In summary, the available evidence is currently insufficient to determine the role of this variant in disease. Therefore, it has been classified as a Variant of Uncertain Significance.

NM_000264.5(PTCH1):c.3365T>C (p.Met1122Thr)

Gene: PTCH1 (patched 1; minus strand). Cytogenetic location: 9q22.32.
Variant type: single nucleotide variant.
Coding change: c.3365T>C on transcript NM_000264.5 (MANE Select); coding-DNA position 3365, T replaced by C.
Protein change: p.Met1122Thr; replaces methionine 1122 with threonine.
Molecular consequence: missense variant. On other transcripts: non-coding transcript variant (1).
Genome position (GRCh38, 1-based): chr9:95,453,562, A>G on the plus strand (T>C on the coding strand, the complement: PTCH1 is on the minus strand). VCF-style: chr9-95453562-A-G. GRCh37 (hg19) VCF-style: chr9-98215844-A-G.
Other names: c.3167T>C, p.Met1056Thr (NM_001083602.3); c.3362T>C, p.Met1121Thr (NM_001083603.3); c.2912T>C, p.Met971Thr (NM_001083604.3, NM_001083605.3, NM_001083606.3 and 1 more transcripts); c.3209T>C, p.Met1070Thr (NM_001354918.2); short protein forms M1121T, M1122T, M1070T, M1056T, M971T.
Identifiers: ClinVar variation 1950217 (VCV001950217.6), dbSNP rs929802114, ClinGen allele CA374111817.